The following is an entry in ClinVar:

ClinVar aggregate classification (germline): Uncertain significance. Review status: criteria provided, multiple submitters, no conflicts (2 of 4 stars). 2 submissions from 2 submitters: Uncertain significance (2). Last evaluated 2025-08-12.

Conditions:
Predisposition to invasive fungal disease due to CARD9 deficiency (IMD103). Also called: IMMUNODEFICIENCY 103, SUSCEPTIBILITY TO FUNGAL INFECTIONS; Candidiasis, familial, 2, autosomal recessive; CARD9 IMMUNODEFICIENCY. Identifiers: Orphanet 457088, MedGen C1859353, MONDO:0008905, OMIM 212050.
Inborn genetic diseases. Identifiers: MedGen C0950123, MeSH D030342.

Allele frequency attached by ClinVar (database versions not stated): gnomAD exomes below 0.00001; TOPMed 0.00001.
gnomAD v4.1: 2 of 1,599,076 alleles (0.00013%); highest among the groups gnomAD compares: Non-Finnish European, 0.00017%; no homozygotes.

Submissions (2):

Ambry Genetics
Classification: Uncertain significance for Inborn genetic diseases. Last evaluated: 2025-08-12. Review status: criteria provided, single submitter. Criteria: Ambry Variant Classification Scheme 2023. Collection method: clinical testing. Allele origin: germline.

Labcorp Genetics (formerly Invitae), Labcorp
Classification: Uncertain significance for Predisposition to invasive fungal disease due to CARD9 deficiency. Last evaluated: 2019-06-15. Review status: criteria provided, single submitter. Criteria: Invitae Variant Classification Sherloc (09022015). Collection method: clinical testing. Allele origin: germline.
Comment: This sequence change replaces isoleucine with valine at codon 361 of the CARD9 protein (p.Ile361Val). The isoleucine residue is moderately conserved and there is a small physicochemical difference between isoleucine and valine. This variant is not present in population databases (ExAC no frequency). This variant has not been reported in the literature in individuals with CARD9-related conditions. Algorithms developed to predict the effect of missense changes on protein structure and function (SIFT, PolyPhen-2, Align-GVGD) all suggest that this variant is likely to be tolerated, but these predictions have not been confirmed by published functional studies and their clinical significance is uncertain. In summary, the available evidence is currently insufficient to determine the role of this variant in disease. Therefore, it has been classified as a Variant of Uncertain Significance.

NM_052813.5(CARD9):c.1081A>G (p.Ile361Val)

Gene: CARD9 (caspase recruitment domain family member 9; minus strand). Cytogenetic location: 9q34.3.
Variant type: single nucleotide variant.
Coding change: c.1081A>G on transcript NM_052813.5 (MANE Select); coding-DNA position 1081, A replaced by G.
Protein change: p.Ile361Val; replaces isoleucine 361 with valine.
Molecular consequence: missense variant.
Genome position (GRCh38, 1-based): chr9:136,367,825, T>C on the plus strand (A>G on the coding strand, the complement: CARD9 is on the minus strand). VCF-style: chr9-136367825-T-C. GRCh37 (hg19) VCF-style: chr9-139262277-T-C.
Other names: c.1081A>G, p.Ile361Val (NM_052814.4); short protein forms I361V.
Identifiers: ClinVar variation 942909 (VCV000942909.9), dbSNP rs1338999078, ClinGen allele CA375542965.